The following is an entry in ClinVar:

NM_000426.4(LAMA2):c.820-8T>A

Gene: LAMA2 (laminin subunit alpha 2; plus strand). Cytogenetic location: 6q22.33.
Variant type: single nucleotide variant.
Coding change: c.820-8T>A on transcript NM_000426.4 (MANE Select); 8 bases into the intron before coding-DNA position 820, T replaced by A.
Molecular consequence: intron variant.
Genome position (GRCh38, 1-based): chr6:129,146,951, T>A. VCF-style: chr6-129146951-T-A. GRCh37 (hg19) VCF-style: chr6-129468096-T-A.
Other names: c.820-8T>A (NM_001079823.2).
Identifiers: ClinVar variation 2003103 (VCV002003103.4), dbSNP rs2482595898, ClinGen allele CA2580074895.
Genomic context (GRCh38, chr6:129,146,951, plus strand): 5'-TGTCCCCTTTTGTTACTTTGACCTTGCAGTCATCTTAACAGGATTTCTCTCTGGATTGCT[T>A]TTTGCAGTATTACTACTCGGTCAAGGATATTTCAGTTGGAGGGATGTGCATCTGCTATGG-3'

ClinVar aggregate classification (germline): Uncertain significance (1 of 4 stars; one submission).

Conditions:
LAMA2-related muscular dystrophy (LAMA2-RD). Also called: Laminin alpha 2-related dystrophy. Identifiers: MedGen C5679788, MONDO:0100228.

Submission:

Labcorp Genetics (formerly Invitae), Labcorp
Classification: Uncertain significance for LAMA2-related muscular dystrophy. Last evaluated: 2022-06-07. Review status: criteria provided, single submitter. Criteria: Invitae Variant Classification Sherloc (09022015). Collection method: clinical testing. Allele origin: germline.
Comment: In summary, the available evidence is currently insufficient to determine the role of this variant in disease. Therefore, it has been classified as a Variant of Uncertain Significance. Algorithms developed to predict the effect of sequence changes on RNA splicing suggest that this variant may disrupt the consensus splice site. This variant has not been reported in the literature in individuals affected with LAMA2-related conditions. This variant is not present in population databases (gnomAD no frequency). This sequence change falls in intron 5 of the LAMA2 gene. It does not directly change the encoded amino acid sequence of the LAMA2 protein.